The following is an entry in ClinVar:

ClinVar aggregate classification (germline): Pathogenic (1 of 4 stars; one submission).

Submission:

GeneDx
Classification: Pathogenic. Last evaluated: 2014-03-25. Review status: criteria provided, single submitter. Criteria: GeneDx Variant Classification (06012015). Collection method: clinical testing. Allele origin: germline. Affected: yes.
Comment: c.1649_1649+1delGGinsTTT: IVS14+1delGGinsTTT in intron 14 of the LRPPRC gene (NM_133259.3). The sequence shown with the deleted and inserted bases in braces is: TCAGGA{delGG}{insTTT}taagat with the exonic bases in upper case and the intronic bases in lower case.The c.1649_1649+1delGGinsTTT mutation in the LRPPRC gene destroys the canonical splice donor site in intron 14. It is predicted to cause abnormal gene splicing, either leading to an abnormal message that is subject to nonsense-mediated mRNA decay, or to an abnormal protein product if the message is used for protein translation. Although this mutation has not been previously reported to our knowledge, it is expected to be a pathogenic mutation. The variant is found in MITONUC-MITOP panel(s).

NM_133259.4(LRPPRC):c.1649_1649+1delinsTTT

Genes: LRPPRC (leucine rich pentatricopeptide repeat containing; minus strand), LOC129388857 (MPRA-validated peak3685 silencer; plus strand). Cytogenetic location: 2p21.
Variant type: Indel.
Coding change: c.1649_1649+1delinsTTT on transcript NM_133259.4 (MANE Select); coding-DNA position 1649 through the canonical splice donor site of the intron after coding-DNA position 1649, GG replaced by TTT.
Molecular consequence: splice donor variant.
Genome position (GRCh38, 1-based): chr2:43,957,384-43,957,385, CC replaced by AAA on the plus strand (GG replaced by TTT on the coding strand, the reverse complement: LRPPRC is on the minus strand). VCF-style: chr2-43957384-CC-AAA. GRCh37 (hg19) VCF-style: chr2-44184523-CC-AAA.
Identifiers: ClinVar variation 214618 (VCV000214618.2), dbSNP rs863224059, ClinGen allele CA320792.
Genomic context (GRCh38, chr2:43,957,384, plus strand): 5'-CAAAAGGACAGGAGAAATCAGTCCATGTTCAGGCAAGGAACATTTAAGTTGATCATCTTA[CC>AAA]TCCTGAAGCCTAGCAGTAGGCTACTTCTTATAGACTGCAGCGAGATGGGCAATGTATTTG-3'